The following is an entry in ClinVar:

ClinVar aggregate classification (germline): Pathogenic. Review status: criteria provided, multiple submitters, no conflicts (2 of 4 stars). 2 submissions from 2 submitters: Pathogenic (2). Last evaluated 2024-07-28.

Conditions:
Hereditary angioedema type 1 (HAE1). Identifiers: Orphanet 100050, Orphanet 100051, Orphanet 91378, MedGen C2717906, MONDO:0015053, OMIM 106100.

Submissions (2):

DNA-diagnostics Laboratory, Research Centre For Medical Genetics
Classification: Pathogenic for Hereditary angioedema type 1. Last evaluated: 2024-07-28. Review status: criteria provided, single submitter. Criteria: ACMG Guidelines, 2015. Collection method: research. Allele origin: germline. Inheritance: Autosomal dominant inheritance. Affected: yes. Observed: 2 variant alleles, 2 heterozygotes. Clinical features observed: Angioedema (HP:0100665), C1 esterase inhibitor deficiency.
Comment: According to our observation the c.1429T>C variant in SERPING1 meets ACMG/ClinGen SVI guidance criteria to be classified as pathogenic: PP3_Str, PP4_Str, PM2_Sup, PP1, PP2

Labcorp Genetics (formerly Invitae), Labcorp
Classification: Pathogenic. Last evaluated: 2022-01-14. Review status: criteria provided, single submitter. Criteria: Invitae Variant Classification Sherloc (09022015). Collection method: clinical testing. Allele origin: germline.
Comment: For these reasons, this variant has been classified as Pathogenic. This variant is not present in population databases (gnomAD no frequency). This missense change has been observed in individuals with hereditary angioedema (PMID: 30556912, 30847342; Invitae). Advanced modeling of protein sequence and biophysical properties (such as structural, functional, and spatial information, amino acid conservation, physicochemical variation, residue mobility, and thermodynamic stability) performed at Invitae indicates that this missense variant is expected to disrupt SERPING1 protein function. This variant disrupts the p.Phe477 amino acid residue in SERPING1. Other variant(s) that disrupt this residue have been observed in individuals with SERPING1-related conditions (PMID: 8755917), which suggests that this may be a clinically significant amino acid residue. This sequence change replaces phenylalanine, which is neutral and non-polar, with leucine, which is neutral and non-polar, at codon 477 of the SERPING1 protein (p.Phe477Leu).

Literature cited by the submitters: PubMed 30556912 (cited by Labcorp Genetics (formerly Invitae), Labcorp); PubMed 30847342 (cited by Labcorp Genetics (formerly Invitae), Labcorp); PubMed 8755917 (cited by Labcorp Genetics (formerly Invitae), Labcorp).

NM_000062.3(SERPING1):c.1429T>C (p.Phe477Leu)

Gene: SERPING1 (serpin family G member 1; plus strand). Cytogenetic location: 11q12.1.
Variant type: single nucleotide variant.
Coding change: c.1429T>C on transcript NM_000062.3 (MANE Select); coding-DNA position 1429, T replaced by C.
Protein change: p.Phe477Leu; replaces phenylalanine 477 with leucine.
Molecular consequence: missense variant.
Genome position (GRCh38, 1-based): chr11:57,614,507, T>C. VCF-style: chr11-57614507-T-C. GRCh37 (hg19) VCF-style: chr11-57381980-T-C.
Other names: c.1429T>C, p.Phe477Leu (NM_001032295.2); short protein forms F477L.
Identifiers: ClinVar variation 1438889 (VCV001438889.10), dbSNP rs2135328208, ClinGen allele CA380690807.
Genomic context (GRCh38, chr11:57,614,507, plus strand): 5'-GCTGCAGCCTCCGCCATCTCTGTGGCCCGCACCCTGCTGGTCTTTGAAGTGCAGCAGCCC[T>C]TCCTCTTCGTGCTCTGGGACCAGCAGCACAAGTTCCCTGTCTTCATGGGGCGAGTATATG-3'
Protein context (NP_000053.2, residues 467-487): TLLVFEVQQP[Phe477Leu]LFVLWDQQHK